The following is an entry in ClinVar:

ClinVar aggregate classification (germline): Uncertain significance (1 of 4 stars; one submission).

Submission:

Labcorp Genetics (formerly Invitae), Labcorp
Classification: Uncertain significance. Last evaluated: 2022-06-27. Review status: criteria provided, single submitter. Criteria: Invitae Variant Classification Sherloc (09022015). Collection method: clinical testing. Allele origin: germline.
Comment: In summary, the available evidence is currently insufficient to determine the role of this variant in disease. Therefore, it has been classified as a Variant of Uncertain Significance. Algorithms developed to predict the effect of missense changes on protein structure and function are either unavailable or do not agree on the potential impact of this missense change (SIFT: "Tolerated"; PolyPhen-2: "Possibly Damaging"; Align-GVGD: "Class C0"). This variant has not been reported in the literature in individuals affected with SEPT9-related conditions. This variant is not present in population databases (gnomAD no frequency). This sequence change replaces valine, which is neutral and non-polar, with phenylalanine, which is neutral and non-polar, at codon 29 of the SEPT9 protein (p.Val29Phe).

NM_001113491.2(SEPTIN9):c.139G>T (p.Val47Phe)

Gene: SEPTIN9 (septin 9; plus strand). Cytogenetic location: 17q25.3.
Variant type: single nucleotide variant.
Coding change: c.139G>T on transcript NM_001113491.2 (MANE Select); coding-DNA position 139, G replaced by T.
Protein change: p.Val47Phe; replaces valine 47 with phenylalanine.
Molecular consequence: missense variant. On other transcripts: 5 prime UTR variant (2).
Genome position (GRCh38, 1-based): chr17:77,402,121, G>T. VCF-style: chr17-77402121-G-T. GRCh37 (hg19) VCF-style: chr17-75398203-G-T.
Other names: c.82G>T, p.Val28Phe (NM_001293695.2); c.85G>T, p.Val29Phe (NM_006640.5); c.-354G>T (NM_001113492.2, NM_001113494.1); c.118G>T, p.Val40Phe (NM_001113493.2); short protein forms V28F, V29F, V40F, V47F.
Identifiers: ClinVar variation 1682576 (VCV001682576.5), dbSNP rs2144098160, ClinGen allele CA401205568.